The following is an entry in ClinVar:

NM_198586.3(NHLRC1):c.414G>C (p.Thr138=)

Gene: NHLRC1 (NHL repeat containing E3 ubiquitin protein ligase 1; minus strand). Cytogenetic location: 6p22.3.
Variant type: single nucleotide variant.
Coding change: c.414G>C on transcript NM_198586.3 (MANE Select); coding-DNA position 414, G replaced by C.
Protein change: p.Thr138=; no amino-acid change (threonine 138 retained).
Molecular consequence: synonymous variant.
Genome position (GRCh38, 1-based): chr6:18,122,193, C>G on the plus strand (G>C on the coding strand, the complement: NHLRC1 is on the minus strand). VCF-style: chr6-18122193-C-G. GRCh37 (hg19) VCF-style: chr6-18122424-C-G.
Identifiers: ClinVar variation 2868298 (VCV002868298.21), dbSNP rs370292624, ClinGen allele CA134960006.

ClinVar aggregate classification (germline): Likely benign. Review status: criteria provided, multiple submitters, no conflicts (2 of 4 stars). 2 submissions from 2 submitters: Likely benign (2). Last evaluated 2024-06-01.

Conditions:
Lafora disease. Also called: Epilepsy progressive myoclonic 2; Progressive Myoclonus Epilepsy, Lafora Type. Identifiers: Orphanet 501, MedGen C0751783, MONDO:0009697.

Submissions (2):

CeGaT Center for Human Genetics Tuebingen
Classification: Likely benign. Last evaluated: 2024-06-01. Review status: criteria provided, single submitter. Criteria: CeGaT Center For Human Genetics Tuebingen Variant Classification Criteria Version 2. Collection method: clinical testing. Allele origin: germline. Affected: yes. Observed: 1 variant allele.
Comment: NHLRC1: PM2:Supporting, BP4, BP7

Labcorp Genetics (formerly Invitae), Labcorp
Classification: Likely benign for Lafora disease. Last evaluated: 2023-04-06. Review status: criteria provided, single submitter. Criteria: Invitae Variant Classification Sherloc (09022015). Collection method: clinical testing. Allele origin: germline.